The following is an entry in ClinVar:

NM_024989.4(PGAP1):c.251C>T (p.Thr84Met)

Gene: PGAP1 (post-GPI attachment to proteins inositol deacylase 1; minus strand). Cytogenetic location: 2q33.1.
Variant type: single nucleotide variant.
Coding change: c.251C>T on transcript NM_024989.4 (MANE Select); coding-DNA position 251, C replaced by T.
Protein change: p.Thr84Met; replaces threonine 84 with methionine.
Molecular consequence: missense variant. On other transcripts: 5 prime UTR variant (2).
Genome position (GRCh38, 1-based): chr2:196,920,047, G>A on the plus strand (C>T on the coding strand, the complement: PGAP1 is on the minus strand). VCF-style: chr2-196920047-G-A. GRCh37 (hg19) VCF-style: chr2-197784771-G-A.
Other names: c.-272C>T (NM_001321099.2); c.-861C>T (NM_001321100.2); c.251C>T (NM_024989.3); short protein forms T84M.
Identifiers: ClinVar variation 1991599 (VCV001991599.5), dbSNP rs114297432, ClinGen allele CA2041255.

ClinVar aggregate classification (germline): Uncertain significance. Review status: criteria provided, multiple submitters, no conflicts (2 of 4 stars). 2 submissions from 2 submitters: Uncertain significance (2). Last evaluated 2025-03-25.

Conditions:
Intellectual disability, autosomal recessive 42 (NEDDSBA). Also called: Neurodevelopmental disorder with dysmorphic features, spasticity, and brain abnormalities; GLYCOSYLPHOSPHATIDYLINOSITOL BIOSYNTHESIS DEFECT 9. Identifiers: Orphanet 88616, MedGen C4014343, MONDO:0014348, OMIM 615802.

Allele frequency attached by ClinVar (database versions not stated): ExAC 0.00007; gnomAD exomes 0.00007; gnomAD 0.00009; TOPMed 0.00009; 1000 Genomes Project 30x 0.00016; 1000 Genomes Project 0.00020; ESP Exome Variant Server 0.00031.
gnomAD v4.1: 122 of 1,612,964 alleles (0.0076%); highest among the groups gnomAD compares: African/African-American, 0.015%; no homozygotes.

Submissions (2):

GeneDx
Classification: Uncertain significance. Last evaluated: 2025-03-25. Review status: criteria provided, single submitter. Criteria: GeneDx Variant Classification Process June 2021. Collection method: clinical testing. Allele origin: germline. Affected: yes.
Comment: In silico analysis supports that this missense variant has a deleterious effect on protein structure/function; Has not been previously published as pathogenic or benign to our knowledge

Labcorp Genetics (formerly Invitae), Labcorp
Classification: Uncertain significance for Intellectual disability, autosomal recessive 42. Last evaluated: 2024-02-24. Review status: criteria provided, single submitter. Criteria: Invitae Variant Classification Sherloc (09022015). Collection method: clinical testing. Allele origin: germline.
Comment: This sequence change replaces threonine, which is neutral and polar, with methionine, which is neutral and non-polar, at codon 84 of the PGAP1 protein (p.Thr84Met). This variant is present in population databases (rs114297432, gnomAD 0.01%). This variant has not been reported in the literature in individuals affected with PGAP1-related conditions. ClinVar contains an entry for this variant (Variation ID: 1991599). Advanced modeling of protein sequence and biophysical properties (such as structural, functional, and spatial information, amino acid conservation, physicochemical variation, residue mobility, and thermodynamic stability) has been performed at Invitae for this missense variant, however the output from this modeling did not meet the statistical confidence thresholds required to predict the impact of this variant on PGAP1 protein function. In summary, the available evidence is currently insufficient to determine the role of this variant in disease. Therefore, it has been classified as a Variant of Uncertain Significance.